The following is an entry in ClinVar:

NM_198859.4(PRICKLE2):c.793G>A (p.Asp265Asn)

Gene: PRICKLE2 (prickle planar cell polarity protein 2; minus strand). Cytogenetic location: 3p14.1.
Variant type: single nucleotide variant.
Coding change: c.793G>A on transcript NM_198859.4 (MANE Select); coding-DNA position 793, G replaced by A.
Protein change: p.Asp265Asn; replaces aspartic acid 265 with asparagine.
Molecular consequence: missense variant.
Genome position (GRCh38, 1-based): chr3:64,147,697, C>T on the plus strand (G>A on the coding strand, the complement: PRICKLE2 is on the minus strand). VCF-style: chr3-64147697-C-T. GRCh37 (hg19) VCF-style: chr3-64133373-C-T.
Other names: c.793G>A, p.Asp265Asn (NM_001370528.1); short protein forms D265N.
Identifiers: ClinVar variation 1377447 (VCV001377447.8), dbSNP rs1312810720, ClinGen allele CA353432847.

ClinVar aggregate classification (germline): Uncertain significance (1 of 4 stars; one submission).

Conditions:
Progressive myoclonic epilepsy type 5. Identifiers: Orphanet 402082, MedGen C5190799.

Allele frequency attached by ClinVar (database versions not stated): gnomAD exomes below 0.00001 and 0.00002.
gnomAD v4.1: 28 of 1,613,554 alleles (0.0017%); highest among the groups gnomAD compares: Non-Finnish European, 0.0023%; no homozygotes.

Submission:

Labcorp Genetics (formerly Invitae), Labcorp
Classification: Uncertain significance for Progressive myoclonic epilepsy type 5. Last evaluated: 2022-02-05. Review status: criteria provided, single submitter. Criteria: Invitae Variant Classification Sherloc (09022015). Collection method: clinical testing. Allele origin: germline.
Comment: This sequence change replaces aspartic acid, which is acidic and polar, with asparagine, which is neutral and polar, at codon 265 of the PRICKLE2 protein (p.Asp265Asn). This variant is present in population databases (no rsID available, gnomAD 0.0009%). This variant has not been reported in the literature in individuals affected with PRICKLE2-related conditions. Algorithms developed to predict the effect of missense changes on protein structure and function are either unavailable or do not agree on the potential impact of this missense change (SIFT: "Deleterious"; PolyPhen-2: "Probably Damaging"; Align-GVGD: "Class C15"). In summary, the available evidence is currently insufficient to determine the role of this variant in disease. Therefore, it has been classified as a Variant of Uncertain Significance.